The following is an entry in ClinVar:

ClinVar aggregate classification (germline): Uncertain significance (1 of 4 stars; one submission).

Conditions:
Hereditary cancer-predisposing syndrome. Also called: Hereditary neoplastic syndrome; Neoplastic Syndromes, Hereditary; Tumor predisposition; Hereditary Cancer Syndrome. Identifiers: Orphanet 140162, MedGen C0027672, MeSH D009386, MONDO:0015356.

Submission:

Ambry Genetics
Classification: Uncertain significance for Hereditary cancer-predisposing syndrome. Last evaluated: 2025-07-28. Review status: criteria provided, single submitter. Criteria: Ambry Variant Classification Scheme 2023. Collection method: clinical testing. Allele origin: germline.
Comment: The p.C1874S variant (also known as c.5621G>C), located in coding exon 41 of the POLE gene, results from a G to C substitution at nucleotide position 5621. The cysteine at codon 1874 is replaced by serine, an amino acid with dissimilar properties. This amino acid position is conserved. In addition, the in silico prediction for this alteration is inconclusive. Based on the available evidence, the clinical significance of this variant remains unclear.

NM_006231.4(POLE):c.5621G>C (p.Cys1874Ser)

Gene: POLE (DNA polymerase epsilon, catalytic subunit; minus strand). Cytogenetic location: 12q24.33.
Variant type: single nucleotide variant.
Coding change: c.5621G>C on transcript NM_006231.4 (MANE Select); coding-DNA position 5621, G replaced by C.
Protein change: p.Cys1874Ser; replaces cysteine 1874 with serine.
Molecular consequence: missense variant.
Genome position (GRCh38, 1-based): chr12:132,638,071, C>G on the plus strand (G>C on the coding strand, the complement: POLE is on the minus strand). VCF-style: chr12-132638071-C-G. GRCh37 (hg19) VCF-style: chr12-133214657-C-G.
Other names: short protein forms C1874S.
Identifiers: ClinVar variation 4141181 (VCV004141181.1).